The following is an entry in ClinVar:

NM_133259.4(LRPPRC):c.1517_1518insAAAA (p.Met506fs)

Gene: LRPPRC (leucine rich pentatricopeptide repeat containing; minus strand). Cytogenetic location: 2p21.
Variant type: Insertion.
Coding change: c.1517_1518insAAAA on transcript NM_133259.4 (MANE Select); coding-DNA positions 1517 to 1518, AAAA inserted.
Protein change: p.Met506fs; shifts the reading frame from methionine 506.
Molecular consequence: frameshift variant.
Genome position: GRCh38 VCF-style: chr2-43960605-C-CTTTT. GRCh37 (hg19) VCF-style: chr2-44187744-C-CTTTT.
Other names: short protein forms M506fs.
Identifiers: ClinVar variation 1725401 (VCV001725401.7), dbSNP rs1465966933, ClinGen allele CA769078537.

ClinVar aggregate classification (germline): Pathogenic/Likely pathogenic. Review status: criteria provided, multiple submitters, no conflicts (2 of 4 stars). 2 submissions from 2 submitters: Pathogenic (1); Likely pathogenic (1). Last evaluated 2022-03-18.

Conditions:
Congenital lactic acidosis, Saguenay-Lac-Saint-Jean type (MC4DN5). Also called: MITOCHONDRIAL COMPLEX IV DEFICIENCY, NUCLEAR TYPE 5; CYTOCHROME c OXIDASE DEFICIENCY, FRENCH CANADIAN TYPE; COX DEFICIENCY, FRENCH CANADIAN TYPE. Identifiers: Orphanet 70472, MedGen C1857355, MONDO:0009069, OMIM 220111.

Submissions (2):

Myriad Genetics, Inc.
Classification: Likely pathogenic for Congenital lactic acidosis, Saguenay-Lac-Saint-Jean type. Last evaluated: 2022-03-18. Review status: criteria provided, single submitter. Criteria: Myriad Women's Health Autosomal Recessive and X-Linked Classification Criteria (2021). Collection method: clinical testing. Allele origin: unknown.
Comment: NM_133259.3(LRPPRC):c.1517_1518insAAAA(M506Ifs*11) is expected to be pathogenic in the context of Leigh syndrome, French-Canadian type. This variant is predicted to lead to an abnormal or absent protein product due to the creation of a premature termination codon in LRPPRC, a gene where loss-of-function variants are known to be pathogenic. Please note: this variant was assessed in the context of healthy population screening.

Labcorp Genetics (formerly Invitae), Labcorp
Classification: Pathogenic. Last evaluated: 2022-02-07. Review status: criteria provided, single submitter. Criteria: Invitae Variant Classification Sherloc (09022015). Collection method: clinical testing. Allele origin: germline.
Comment: This variant is not present in population databases (gnomAD no frequency). This sequence change creates a premature translational stop signal (p.Met506Ilefs*11) in the LRPPRC gene. It is expected to result in an absent or disrupted protein product. Loss-of-function variants in LRPPRC are known to be pathogenic (PMID: 26510951). This variant has not been reported in the literature in individuals affected with LRPPRC-related conditions. For these reasons, this variant has been classified as Pathogenic.

Literature cited by the submitters: PubMed 26510951 (cited by Labcorp Genetics (formerly Invitae), Labcorp).